The following is an entry in ClinVar:

ClinVar aggregate classification (germline): Uncertain significance (1 of 4 stars; one submission).

Conditions:
Inborn genetic diseases. Identifiers: MedGen C0950123, MeSH D030342.

gnomAD v4.1: 1 of 1,603,730 alleles (0.000062%); highest among the groups gnomAD compares: Non-Finnish European, 0.000085%; no homozygotes.

Submission:

Ambry Genetics
Classification: Uncertain significance for Inborn genetic diseases. Last evaluated: 2025-04-24. Review status: criteria provided, single submitter. Criteria: Ambry Variant Classification Scheme 2023. Collection method: clinical testing. Allele origin: germline.
Comment: The p.E36G variant (also known as c.107A>G), located in coding exon 2 of the HAX1 gene, results from an A to G substitution at nucleotide position 107. The glutamic acid at codon 36 is replaced by glycine, an amino acid with similar properties. This amino acid position is conserved. In addition, this alteration is predicted to be tolerated by in silico analysis. Based on the available evidence, the clinical significance of this variant remains unclear.

NM_006118.4(HAX1):c.107A>G (p.Glu36Gly)

Gene: HAX1 (HCLS1 associated protein X-1; plus strand). Cytogenetic location: 1q21.3.
Variant type: single nucleotide variant.
Coding change: c.107A>G on transcript NM_006118.4 (MANE Select); coding-DNA position 107, A replaced by G.
Protein change: p.Glu36Gly; replaces glutamic acid 36 with glycine.
Molecular consequence: missense variant. On other transcripts: intron variant (1).
Genome position (GRCh38, 1-based): chr1:154,273,389, A>G. VCF-style: chr1-154273389-A-G. GRCh37 (hg19) VCF-style: chr1-154245865-A-G.
Other names: c.54-91A>G (NM_001018837.2); short protein forms E36G.
Identifiers: ClinVar variation 4033849 (VCV004033849.1).